The following is an entry in ClinVar:

ClinVar aggregate classification (germline): Likely pathogenic (1 of 4 stars; one submission).

Conditions:
Ichthyosis vulgaris. Also called: Dominant ichthyosis vulgaris; ICHTHYOSIS SIMPLEX. Identifiers: MedGen C0079584, MONDO:0024304, OMIM 146700.

Submission:

MGZ Medical Genetics Center
Classification: Likely pathogenic for Ichthyosis vulgaris. Last evaluated: 2022-05-19. Review status: criteria provided, single submitter. Criteria: ACMG Guidelines, 2015. Collection method: clinical testing. Allele origin: germline. Affected: yes. Observed: 1 variant allele.
Comment: ACMG criteria applied: PVS1, PM2_SUP

NM_002016.2(FLG):c.10926del (p.Ile3642fs)

Genes: FLG (filaggrin; minus strand), CCDST (cervical cancer associated DHX9 suppressive transcript; plus strand). Cytogenetic location: 1q21.3.
Variant type: Deletion.
Coding change: c.10926del on transcript NM_002016.2 (MANE Select); coding-DNA position 10926, one base deleted (T; older notation c.10926delT).
Protein change: p.Ile3642fs; shifts the reading frame from isoleucine 3642.
Molecular consequence: frameshift variant.
Genome position (GRCh38, 1-based): chr1:152,303,960, A deleted on the plus strand (T on the coding strand, the reverse complement: FLG is on the minus strand); the first of 2 consecutive A bases (chr1:152,303,960-152,303,961); deleting either gives the same sequence. VCF-style (leftmost placement, unchanged base first): chr1-152303959-CA-C. GRCh37 (hg19) VCF-style: chr1-152276435-CA-C.
Other names: short protein forms I3642fs.
Identifiers: ClinVar variation 1709406 (VCV001709406.2), dbSNP rs2525135967, ClinGen allele CA2580061057.
Genomic context (GRCh38, chr1:152,303,959, plus strand): 5'-GACTACCACTGGACCCTCGGTGTCCACTGTCTCTGACTGCAGATGAAGCTTGTCCGTGCC[CA>C]ATGCCTGAGTGTCTGGAGCTGTCTGCTGACTGCTGGTGGTGGGATCCATGTCTCTCTCCT-3'